The following is an entry in ClinVar:

NM_152416.4(NDUFAF6):c.663A>G (p.Pro221=)

Gene: NDUFAF6 (NADH:ubiquinone oxidoreductase complex assembly factor 6; plus strand). Cytogenetic location: 8q22.1.
Variant type: single nucleotide variant.
Coding change: c.663A>G on transcript NM_152416.4 (MANE Select); coding-DNA position 663, A replaced by G.
Protein change: p.Pro221=; no amino-acid change (proline 221 retained).
Molecular consequence: synonymous variant. On other transcripts: non-coding transcript variant (5).
Genome position (GRCh38, 1-based): chr8:95,047,076, A>G. VCF-style: chr8-95047076-A-G. GRCh37 (hg19) VCF-style: chr8-96059304-A-G.
Other names: p.P221P:CCA>CCG; c.387A>G, p.Pro129= (NM_001330582.2, NM_001354514.2, NM_001354515.2 and 1 more transcripts); c.507A>G, p.Pro169= (NM_001354516.2); c.330A>G, p.Pro110= (NM_001354517.2, NM_001354518.2, NM_001354519.2 and 1 more transcripts); c.207A>G, p.Pro69= (NM_001354522.2, NM_001354524.2, NM_001354525.2 and 7 more transcripts).
Identifiers: ClinVar variation 136604 (VCV000136604.47), dbSNP rs193102273, ClinGen allele CA289776.
Genomic context (GRCh38, chr8:95,047,076, plus strand): 5'-TCATGCTGCAAGTCATATTGGAAAAGCACAAGGCATTGTCACTTGCTTGAGAGCAACACC[A>G]TATCATGGGAGCAGAAGAAAGGTGTTCCTTCCCATGGATATTTGTATGCTGGTAAGGCTG-3'
Protein context (NP_689629.2, residues 211-231): QGIVTCLRAT[Pro221=]YHGSRRKVFL

ClinVar aggregate classification (germline): Benign/Likely benign. Review status: criteria provided, multiple submitters, no conflicts (2 of 4 stars). 9 submissions from 9 submitters: Benign (1); Likely benign (5). 3 of the submissions do not count toward it. Last evaluated 2026-01-15.

Conditions:
Mitochondrial complex I deficiency, nuclear type 17. Also called: Mitochondrial complex 1 deficiency, nuclear type 17. Identifiers: MedGen C4748786, MONDO:0032622, OMIM 618239.
Fanconi renotubular syndrome 5. Also called: FANCONI RENOTUBULAR SYNDROME, ACADIAN VARIANT. Identifiers: MedGen C5394473, MONDO:0030056, OMIM 618913.

Allele frequency attached by ClinVar (database versions not stated): 1000 Genomes Project 30x 0.00031; 1000 Genomes Project 0.00040; ExAC 0.00129; gnomAD exomes 0.00141 and 0.00229; gnomAD 0.00155 and 0.00182; ESP Exome Variant Server 0.00190; TOPMed 0.00211.
gnomAD v4.1: 3,576 of 1,614,192 alleles (0.22%); highest among the groups gnomAD compares: Non-Finnish European, 0.27%; 7 homozygotes.

Submissions (9):

Labcorp Genetics (formerly Invitae), Labcorp
Classification: Likely benign. Last evaluated: 2026-01-15. Review status: criteria provided, single submitter. Criteria: Invitae Variant Classification Sherloc (09022015). Collection method: clinical testing. Allele origin: germline.

CeGaT Center for Human Genetics Tuebingen
Classification: Likely benign. Last evaluated: 2025-10-01. Review status: criteria provided, single submitter. Criteria: CeGaT Center For Human Genetics Tuebingen Variant Classification Criteria Version 2. Collection method: clinical testing. Allele origin: germline. Affected: yes. Observed: 9 variant alleles.
Comment: NDUFAF6: BP4, BP7

Blueprint Genetics
Classification: Likely benign. Last evaluated: 2024-10-28. Review status: criteria provided, single submitter. Criteria: ACMG Guidelines, 2015. Collection method: clinical testing. Allele origin: germline.

Fulgent Genetics
Classification: Likely benign for Mitochondrial complex I deficiency, nuclear type 17; Fanconi renotubular syndrome 5. Last evaluated: 2021-12-03. Review status: criteria provided, single submitter. Criteria: ACMG Guidelines, 2015. Collection method: clinical testing. Allele origin: unknown.

GeneDx
Classification: Benign. Last evaluated: 2014-04-04. Review status: criteria provided, single submitter. Criteria: GeneDx Variant Classification (06012015). Collection method: clinical testing. Allele origin: germline. Affected: yes.
Comment: This variant is considered likely benign or benign based on one or more of the following criteria: it is a conservative change, it occurs at a poorly conserved position in the protein, it is predicted to be benign by multiple in silico algorithms, and/or has population frequency not consistent with disease.

Breakthrough Genomics
Classification: Likely benign. Review status: criteria provided, single submitter. Criteria: ACMG Guidelines, 2015. Collection method: not provided. Allele origin: germline. Inheritance: Autosomal recessive inheritance. Affected: yes.

Mayo Clinic Laboratories, Mayo Clinic
Classification: Likely benign. Last evaluated: 2016-02-23. Review status: no assertion criteria provided. Collection method: clinical testing. Allele origin: unknown. Not counted in ClinVar's aggregate classification.

Clinical Genetics DNA and cytogenetics Diagnostics Lab, Erasmus MC, Erasmus Medical Center
Classification: Likely benign. Review status: no assertion criteria provided. Collection method: clinical testing. Allele origin: germline. Affected: yes. Study: VKGL Data-share Consensus. Not counted in ClinVar's aggregate classification.

Diagnostic Laboratory, Department of Genetics, University Medical Center Groningen
Classification: Likely benign. Review status: no assertion criteria provided. Collection method: clinical testing. Allele origin: germline. Affected: yes. Study: VKGL Data-share Consensus. Not counted in ClinVar's aggregate classification.